The following is an entry in ClinVar:

ClinVar aggregate classification (germline): Uncertain significance (1 of 4 stars; one submission).

Conditions:
Primary ciliary dyskinesia. Also called: Ciliary dyskinesia. Identifiers: Orphanet 244, MedGen C0008780, MONDO:0016575, HP:0012265.

Submission:

Labcorp Genetics (formerly Invitae), Labcorp
Classification: Uncertain significance for Primary ciliary dyskinesia. Last evaluated: 2024-10-08. Review status: criteria provided, single submitter. Criteria: Invitae Variant Classification Sherloc (09022015). Collection method: clinical testing. Allele origin: germline.
Comment: This sequence change replaces serine, which is neutral and polar, with alanine, which is neutral and non-polar, at codon 9 of the RSPH9 protein (p.Ser9Ala). Information on the frequency of this variant in the gnomAD database is not available, as this variant may be reported differently in the database. This variant has not been reported in the literature in individuals affected with RSPH9-related conditions. Experimental studies and prediction algorithms are not available or were not evaluated, and the functional significance of this variant is currently unknown. In summary, the available evidence is currently insufficient to determine the role of this variant in disease. Therefore, it has been classified as a Variant of Uncertain Significance.

NM_152732.5(RSPH9):c.24_25delinsTG (p.Ser9Ala)

Gene: RSPH9 (radial spoke head component 9; plus strand). Cytogenetic location: 6p21.1.
Variant type: Indel.
Coding change: c.24_25delinsTG on transcript NM_152732.5 (MANE Select); coding-DNA positions 24 to 25, GT replaced by TG.
Protein change: p.Ser9Ala; replaces serine 9 with alanine.
Molecular consequence: missense variant. On other transcripts: non-coding transcript variant (2).
Genome position (GRCh38, 1-based): chr6:43,645,122-43,645,123, GT replaced by TG. VCF-style: chr6-43645122-GT-TG. GRCh37 (hg19) VCF-style: chr6-43612859-GT-TG.
Other names: c.24_25delinsTG, p.Ser9Ala (NM_001193341.2, NM_001424119.1, NM_001424120.1 and 1 more transcripts); short protein forms S9A.
Identifiers: ClinVar variation 2802377 (VCV002802377.2), dbSNP rs2532697245, ClinGen allele CA2739273068.